The following is an entry in ClinVar:

ClinVar aggregate classification (germline): Uncertain significance (1 of 4 stars; one submission).

Conditions:
Neurodevelopmental disorder with dysmorphic facies and distal skeletal anomalies. Identifiers: MedGen C5231448, MONDO:0032855, OMIM 618659.

Submission:

Institute of Human Genetics, University of Leipzig Medical Center
Classification: Uncertain significance for Neurodevelopmental disorder with dysmorphic facies and distal skeletal anomalies. Last evaluated: 2021-01-20. Review status: criteria provided, single submitter. Criteria: ACMG Guidelines, 2015. Collection method: clinical testing. Allele origin: germline. Inheritance: Autosomal dominant inheritance. Affected: yes. Observed: 1 variant allele, 1 heterozygote.
Comment: We identified the variant c.418T>C, p.Ser140Pro in the gene ZMIZ1 in heterozygous state. The variant is not yet described in the databases for disease-causing changes (HGMD, ClinVar, DECIPHER) and in the literature. The variant allele was not identified in control chromosomes (gnomAD). The in silico tools we use mostly assess the change as pathogenic. Based on the evidence outlined above, the variant was classified as variant of unknown significance according to the ACMG classification system (Richards et al., 2015, PMID: 25741868). PM2, PP3

NM_020338.4(ZMIZ1):c.418T>C (p.Ser140Pro)

Gene: ZMIZ1 (zinc finger MIZ-type containing 1; plus strand). Cytogenetic location: 10q22.3.
Variant type: single nucleotide variant.
Coding change: c.418T>C on transcript NM_020338.4 (MANE Select); coding-DNA position 418, T replaced by C.
Protein change: p.Ser140Pro; replaces serine 140 with proline.
Molecular consequence: missense variant.
Genome position (GRCh38, 1-based): chr10:79,277,318, T>C. VCF-style: chr10-79277318-T-C. GRCh37 (hg19) VCF-style: chr10-81037075-T-C.
Other names: short protein forms S140P.
Identifiers: ClinVar variation 995992 (VCV000995992.2), dbSNP rs1852361812, ClinGen allele CA377415748.